The following is an entry in ClinVar:

NM_015107.3(PHF8):c.-52T>C

Gene: PHF8 (PHD finger protein 8; minus strand). Cytogenetic location: Xp11.22.
Variant type: single nucleotide variant.
Coding change: c.-52T>C on transcript NM_015107.3 (MANE Select); 52 bases upstream of the start codon, T replaced by C.
Molecular consequence: 5 prime UTR variant. On other transcripts: synonymous variant (1).
Genome position (GRCh38, 1-based): chrX:54,042,780, A>G on the plus strand (T>C on the coding strand, the complement: PHF8 is on the minus strand). VCF-style: chrX-54042780-A-G. GRCh37 (hg19) VCF-style: chrX-54069213-A-G.
Other names: c.57T>C, p.Pro19= (NM_001184896.1); c.-52T>C (NM_001184897.2, NM_001184898.2).
Identifiers: ClinVar variation 3046655 (VCV003046655.2), dbSNP rs782269154, ClinGen allele CA10423703.

ClinVar aggregate classification (germline): Likely benign (0 of 4 stars; one submission).

Conditions:
PHF8-related disorder. Also called: PHF8-related condition.

Allele frequency attached by ClinVar (database versions not stated): TOPMed 0.00001; gnomAD 0.00002; gnomAD exomes 0.00002.
gnomAD v4.1: 25 of 1,181,984 alleles (0.0021%); highest among the groups gnomAD compares: Non-Finnish European, 0.0026%; no homozygotes.

Submission:

PreventionGenetics, part of Exact Sciences
Classification: Likely benign for PHF8-related condition. Last evaluated: 2019-04-04. Review status: no assertion criteria provided. Collection method: clinical testing. Allele origin: germline.
Comment: This variant is classified as likely benign based on ACMG/AMP sequence variant interpretation guidelines (Richards et al. 2015 PMID: 25741868, with internal and published modifications).